The following is an entry in ClinVar:

NM_001085487.3(MYSM1):c.493A>G (p.Asn165Asp)

Gene: MYSM1 (Myb like, SWIRM and MPN domains 1; minus strand). Cytogenetic location: 1p32.1.
Variant type: single nucleotide variant.
Coding change: c.493A>G on transcript NM_001085487.3 (MANE Select); coding-DNA position 493, A replaced by G.
Protein change: p.Asn165Asp; replaces asparagine 165 with aspartic acid.
Molecular consequence: missense variant.
Genome position (GRCh38, 1-based): chr1:58,685,158, T>C on the plus strand (A>G on the coding strand, the complement: MYSM1 is on the minus strand). VCF-style: chr1-58685158-T-C. GRCh37 (hg19) VCF-style: chr1-59150830-T-C.
Other names: short protein forms N165D.
Identifiers: ClinVar variation 1375518 (VCV001375518.6), dbSNP rs2100658531, ClinGen allele CA340531590.

ClinVar aggregate classification (germline): Uncertain significance (1 of 4 stars; one submission).

Allele frequency attached by ClinVar (database versions not stated): gnomAD exomes below 0.00001.
gnomAD v4.1: 1 of 1,585,006 alleles (0.000063%); highest among the groups gnomAD compares: Non-Finnish European, 0.000085%; no homozygotes.

Submission:

Labcorp Genetics (formerly Invitae), Labcorp
Classification: Uncertain significance. Last evaluated: 2022-02-09. Review status: criteria provided, single submitter. Criteria: Invitae Variant Classification Sherloc (09022015). Collection method: clinical testing. Allele origin: germline.
Comment: In summary, the available evidence is currently insufficient to determine the role of this variant in disease. Therefore, it has been classified as a Variant of Uncertain Significance. Algorithms developed to predict the effect of missense changes on protein structure and function (SIFT, PolyPhen-2, Align-GVGD) all suggest that this variant is likely to be tolerated. This variant has not been reported in the literature in individuals affected with MYSM1-related conditions. This variant is not present in population databases (gnomAD no frequency). This sequence change replaces asparagine, which is neutral and polar, with aspartic acid, which is acidic and polar, at codon 165 of the MYSM1 protein (p.Asn165Asp).